The following is an entry in ClinVar:

ClinVar aggregate classification (germline): Uncertain significance. Review status: criteria provided, multiple submitters, no conflicts (2 of 4 stars). 3 submissions from 3 submitters: Uncertain significance (3). Last evaluated 2025-10-21.

Conditions:
Autoimmune lymphoproliferative syndrome type 1. Also called: AUTOIMMUNE LYMPHOPROLIFERATIVE SYNDROME, TYPE I, AUTOSOMAL DOMINANT. Identifiers: Orphanet 3261, MedGen C2717884, MONDO:0011158, OMIM 601859.
Inborn genetic diseases. Identifiers: MedGen C0950123, MeSH D030342.

Allele frequency attached by ClinVar (database versions not stated): gnomAD 0.00001; gnomAD exomes 0.00002; TOPMed below 0.00001.
gnomAD v4.1: 8 of 1,613,324 alleles (0.0005%); highest among the groups gnomAD compares: Admixed American, 0.013%; no homozygotes.

Submissions (3):

Labcorp Genetics (formerly Invitae), Labcorp
Classification: Uncertain significance for Autoimmune lymphoproliferative syndrome. Last evaluated: 2025-10-21. Review status: criteria provided, single submitter. Criteria: Invitae Variant Classification Sherloc (09022015). Collection method: clinical testing. Allele origin: germline.
Comment: This sequence change replaces leucine, which is neutral and non-polar, with phenylalanine, which is neutral and non-polar, at codon 315 of the FAS protein (p.Leu315Phe). This variant is present in population databases (no rsID available, gnomAD 0.02%). This variant has not been reported in the literature in individuals affected with FAS-related conditions. ClinVar contains an entry for this variant (Variation ID: 659424). An algorithm developed to predict the effect of missense changes on protein structure and function (PolyPhen-2) suggests that this variant is likely to be tolerated. In summary, the available evidence is currently insufficient to determine the role of this variant in disease. Therefore, it has been classified as a Variant of Uncertain Significance.

Ambry Genetics
Classification: Uncertain significance for Inborn genetic diseases. Last evaluated: 2023-02-28. Review status: criteria provided, single submitter. Criteria: Ambry Variant Classification Scheme 2023. Collection method: clinical testing. Allele origin: germline.

Fulgent Genetics
Classification: Uncertain significance for Autoimmune lymphoproliferative syndrome type 1. Last evaluated: 2021-11-29. Review status: criteria provided, single submitter. Criteria: ACMG Guidelines, 2015. Collection method: clinical testing. Allele origin: unknown.

NM_000043.6(FAS):c.943C>T (p.Leu315Phe)

Gene: FAS (Fas cell surface death receptor; plus strand). Cytogenetic location: 10q23.31.
Variant type: single nucleotide variant.
Coding change: c.943C>T on transcript NM_000043.6 (MANE Select); coding-DNA position 943, C replaced by T.
Protein change: p.Leu315Phe; replaces leucine 315 with phenylalanine.
Molecular consequence: missense variant. On other transcripts: 3 prime UTR variant (2), non-coding transcript variant (7).
Genome position (GRCh38, 1-based): chr10:89,014,385, C>T. VCF-style: chr10-89014385-C-T. GRCh37 (hg19) VCF-style: chr10-90774142-C-T.
Other names: c.*266C>T (NM_001320619.2); c.880C>T, p.Leu294Phe (NM_152871.4); c.*255C>T (NM_152872.4); c.943C>T (NM_000043.4); short protein forms L315F, L294F.
Identifiers: ClinVar variation 659424 (VCV000659424.12), dbSNP rs1475820915, ClinGen allele CA377510163.